The following is an entry in ClinVar:

ClinVar aggregate classification (germline): Uncertain significance (1 of 4 stars; one submission).

Conditions:
Aortic valve disease 2 (AOVD2). Identifiers: MedGen C3542024, MONDO:0013902, OMIM 614823.

gnomAD v4.1: 16 of 1,229,364 alleles (0.0013%); highest among the groups gnomAD compares: Non-Finnish European, 0.0014%; no homozygotes.

Submission:

Labcorp Genetics (formerly Invitae), Labcorp
Classification: Uncertain significance for Aortic valve disease 2. Last evaluated: 2025-08-09. Review status: criteria provided, single submitter. Criteria: Invitae Variant Classification Sherloc (09022015). Collection method: clinical testing. Allele origin: germline.
Comment: This sequence change replaces serine, which is neutral and polar, with glycine, which is neutral and non-polar, at codon 119 of the SMAD6 protein (p.Ser119Gly). This variant is not present in population databases (gnomAD no frequency). This variant has not been reported in the literature in individuals affected with SMAD6-related conditions. An algorithm developed to predict the effect of missense changes on protein structure and function (PolyPhen-2) suggests that this variant is likely to be tolerated. In summary, the available evidence is currently insufficient to determine the role of this variant in disease. Therefore, it has been classified as a Variant of Uncertain Significance.

NM_005585.5(SMAD6):c.355A>G (p.Ser119Gly)

Gene: SMAD6 (SMAD family member 6; plus strand). Cytogenetic location: 15q22.31.
Variant type: single nucleotide variant.
Coding change: c.355A>G on transcript NM_005585.5 (MANE Select); coding-DNA position 355, A replaced by G.
Protein change: p.Ser119Gly; replaces serine 119 with glycine.
Molecular consequence: missense variant. On other transcripts: non-coding transcript variant (1).
Genome position (GRCh38, 1-based): chr15:66,703,613, A>G. VCF-style: chr15-66703613-A-G. GRCh37 (hg19) VCF-style: chr15-66995951-A-G.
Other names: short protein forms S119G.
Identifiers: ClinVar variation 4746239 (VCV004746239.1).
Genomic context (GRCh38, chr15:66,703,613, plus strand): 5'-GGCGCTGGGAGCTCCCTGCTGGACGTGGCGGAGCCGGGAGGCCCGGGCTGGCTGCCCGAG[A>G]GTGACTGCGAGACGGTGACCTGCTGTCTCTTTTCGGAGCGGGACGCCGCCGGCGCGCCCC-3'
Protein context (NP_005576.3, residues 109-129): EPGGPGWLPE[Ser119Gly]DCETVTCCLF